The following is an entry in ClinVar:

NM_016169.4(SUFU):c.50C>G (p.Ala17Gly)

Genes: SUFU (SUFU negative regulator of hedgehog signaling; plus strand), LOC130004614 (ATAC-STARR-seq lymphoblastoid silent region 2764; plus strand). Cytogenetic location: 10q24.32.
Variant type: single nucleotide variant.
Coding change: c.50C>G on transcript NM_016169.4 (MANE Select); coding-DNA position 50, C replaced by G.
Protein change: p.Ala17Gly; replaces alanine 17 with glycine.
Molecular consequence: missense variant.
Genome position (GRCh38, 1-based): chr10:102,504,202, C>G. VCF-style: chr10-102504202-C-G. GRCh37 (hg19) VCF-style: chr10-104263959-C-G.
Other names: c.50C>G, p.Ala17Gly (NM_001178133.2); short protein forms A17G.
Identifiers: ClinVar variation 3226888 (VCV003226888.1), dbSNP rs12780580, ClinGen allele CA377886260.

ClinVar aggregate classification (germline): Uncertain significance (1 of 4 stars; one submission).

Conditions:
Hereditary cancer-predisposing syndrome. Also called: Neoplastic Syndromes, Hereditary; Tumor predisposition; Hereditary neoplastic syndrome; Hereditary Cancer Syndrome. Identifiers: Orphanet 140162, MedGen C0027672, MeSH D009386, MONDO:0015356.

gnomAD v4.1: 2 of 1,590,980 alleles (0.00013%); highest among the groups gnomAD compares: Non-Finnish European, 0.00017%; no homozygotes.

Submission:

Ambry Genetics
Classification: Uncertain significance for Hereditary cancer-predisposing syndrome. Last evaluated: 2024-02-24. Review status: criteria provided, single submitter. Criteria: Ambry Variant Classification Scheme 2023. Collection method: clinical testing. Allele origin: germline.
Comment: The p.A17G variant (also known as c.50C>G), located in coding exon 1 of the SUFU gene, results from a C to G substitution at nucleotide position 50. The alanine at codon 17 is replaced by glycine, an amino acid with similar properties. This amino acid position is conserved. In addition, this alteration is predicted to be tolerated by in silico analysis. Based on the available evidence, the clinical significance of this alteration remains unclear.